The following is an entry in ClinVar:

ClinVar aggregate classification (germline): Pathogenic. Review status: criteria provided, multiple submitters, no conflicts (2 of 4 stars). 4 submissions from 4 submitters: Pathogenic (4). Last evaluated 2025-06-25.

Conditions:
Lynch syndrome 4 (LYNCH4). Also called: Colorectal cancer, hereditary nonpolyposis, type 4; Hereditary non-polyposis colorectal cancer, type 4. Identifiers: Orphanet 144, MedGen C1838333, MONDO:0013699, OMIM 614337. Disease mechanism: loss of function.
Hereditary nonpolyposis colorectal neoplasms. Identifiers: MedGen C0009405, MeSH D003123.
Hereditary cancer-predisposing syndrome. Also called: Tumor predisposition; Neoplastic Syndromes, Hereditary; Hereditary Cancer Syndrome; Hereditary neoplastic syndrome. Identifiers: Orphanet 140162, MedGen C0027672, MeSH D009386, MONDO:0015356.

Submissions (4):

Dasa
Classification: Pathogenic. Last evaluated: 2025-06-25. Review status: criteria provided, single submitter. Criteria: DASA Assertion Criteria. Collection method: clinical testing. Allele origin: germline.
Comment: NM_000535.7(PMS2):c.1117dup (p.Ser373Lysfs*9) introduces a premature termination codon predicted to result in loss of normal protein function. Loss-of-function is an established mechanism of disease for this gene. The variant is present at low frequency in population datasets. Based on the available data, this variant is classified as pathogenic.

Myriad Genetics, Inc.
Classification: Pathogenic for Lynch syndrome 4. Last evaluated: 2023-09-20. Review status: criteria provided, single submitter. Criteria: Myriad Autosomal Dominant, Autosomal Recessive and X-Linked Classification Criteria (2023). Collection method: clinical testing. Allele origin: unknown.
Comment: This variant is considered pathogenic. This variant creates a frameshift predicted to result in premature protein truncation.

Labcorp Genetics (formerly Invitae), Labcorp
Classification: Pathogenic for Hereditary nonpolyposis colorectal neoplasms. Last evaluated: 2022-09-09. Review status: criteria provided, single submitter. Criteria: Invitae Variant Classification Sherloc (09022015). Collection method: clinical testing. Allele origin: germline.
Comment: ClinVar contains an entry for this variant (Variation ID: 836354). For these reasons, this variant has been classified as Pathogenic. This variant has not been reported in the literature in individuals affected with PMS2-related conditions. This variant is not present in population databases (gnomAD no frequency). This sequence change creates a premature translational stop signal (p.Ser373Lysfs*9) in the PMS2 gene. It is expected to result in an absent or disrupted protein product. Loss-of-function variants in PMS2 are known to be pathogenic (PMID: 21376568, 24362816).

Ambry Genetics
Classification: Pathogenic for Hereditary cancer-predisposing syndrome. Last evaluated: 2020-09-10. Review status: criteria provided, single submitter. Criteria: Ambry Variant Classification Scheme 2023. Collection method: clinical testing. Allele origin: germline.
Comment: The c.1117dupA pathogenic mutation, located in coding exon 10 of the PMS2 gene, results from a duplication of A at nucleotide position 1117, causing a translational frameshift with a predicted alternate stop codon (p.S373Kfs*9). This alteration is expected to result in loss of function by premature protein truncation or nonsense-mediated mRNA decay. As such, this alteration is interpreted as a disease-causing mutation.

Literature cited by the submitters: PubMed 21376568 (cited by Labcorp Genetics (formerly Invitae), Labcorp); PubMed 24362816 (cited by Labcorp Genetics (formerly Invitae), Labcorp).

NM_000535.7(PMS2):c.1117dup (p.Ser373fs)

Gene: PMS2 (PMS1 homolog 2, mismatch repair system component; minus strand). Cytogenetic location: 7p22.1.
Variant type: Duplication.
Coding change: c.1117dup on transcript NM_000535.7 (MANE Select); coding-DNA position 1117, one base duplicated (A; older notation c.1117dupA).
Protein change: p.Ser373fs; shifts the reading frame from serine 373.
Molecular consequence: frameshift variant. On other transcripts: non-coding transcript variant (1), intron variant (2).
Genome position (GRCh38, 1-based): chr7:5,989,827, T duplicated on the plus strand (A on the coding strand, the reverse complement: PMS2 is on the minus strand). VCF-style (leftmost placement, unchanged base first): chr7-5989826-C-CT. GRCh37 (hg19) VCF-style: chr7-6029457-C-CT.
Other names: c.1117dupA (NM_000535.5); c.712dup, p.Ser238fs (NM_001322003.2, NM_001322004.2, NM_001322005.2 and 1 more transcripts); c.799dup, p.Ser267fs (NM_001322007.2, NM_001322008.2); c.184dup, p.Ser62fs (NM_001322011.2, NM_001322012.2); c.544dup, p.Ser182fs (NM_001322013.2); c.1117dup, p.Ser373fs (NM_001322014.2); c.808dup, p.Ser270fs (NM_001322015.2); c.583+2146dup (NM_001322010.2); and 1 more; short protein forms S62fs, S267fs, S270fs, S373fs, S182fs, S238fs.
Identifiers: ClinVar variation 836354 (VCV000836354.12), dbSNP rs1783516106, ClinGen allele CA916080365.